The following is an entry in ClinVar:

NM_002430.3(MN1):c.908_919del (p.Pro303_Gln306del)

Gene: MN1 (MN1 proto-oncogene, transcriptional regulator; minus strand). Cytogenetic location: 22q12.1.
Variant type: Deletion.
Coding change: c.908_919del on transcript NM_002430.3 (MANE Select); coding-DNA positions 908 to 919, 12 bases deleted (CCCAGCAGCAGC).
Protein change: p.Pro303_Gln306del.
Genome position (GRCh38, 1-based): chr22:27,799,625-27,799,636, GCTGCTGCTGGG deleted on the plus strand (CCCAGCAGCAGC on the coding strand, the reverse complement: MN1 is on the minus strand); deleting any 12 consecutive bases within chr22:27,799,625-27,799,646 gives the same sequence; the c. name uses the placement nearest the transcript's 3' end. VCF-style (leftmost placement, unchanged base first): chr22-27799624-TGCTGCTGCTGGG-T. GRCh37 (hg19) VCF-style: chr22-28195612-TGCTGCTGCTGGG-T.
Identifiers: ClinVar variation 3036818 (VCV003036818.2), dbSNP rs1464438815, ClinGen allele CA638954282.

ClinVar aggregate classification (germline): Likely benign (0 of 4 stars; one submission).

Conditions:
MN1-related disorder. Also called: MN1-related condition.

Submission:

PreventionGenetics, part of Exact Sciences
Classification: Likely benign for MN1-related condition. Last evaluated: 2020-07-06. Review status: no assertion criteria provided. Collection method: clinical testing. Allele origin: germline.
Comment: This variant is classified as likely benign based on ACMG/AMP sequence variant interpretation guidelines (Richards et al. 2015 PMID: 25741868, with internal and published modifications).